The following is an entry in ClinVar:

ClinVar aggregate classification (germline): Benign/Likely benign. Review status: criteria provided, multiple submitters, no conflicts (2 of 4 stars). 4 submissions from 2 submitters: Benign (2); Likely benign (2). Last evaluated 2021-10-09.

Conditions:
Ehlers-Danlos syndrome, arthrochalasia type. Also called: ARTHROCHALASIS MULTIPLEX CONGENITA; EDS VII, MUTANT PROCOLLAGEN TYPE; EDS VIIA; Ehlers-Danlos syndrome, arthrochalasia type, 1; Ehlers-Danlos syndrome, arthrochalasis type. Identifiers: Orphanet 1899, Orphanet 99875, Orphanet 99876, MedGen C4551623, MONDO:0007525, OMIM 130060.
Infantile cortical hyperostosis. Also called: Caffey Disease; Hyperostosis, Cortical, Congenital; P1PK BLOOD GROUP SYSTEM, P(2) PHENOTYPE. Identifiers: Orphanet 1310, MedGen C0020497, MONDO:0007244, OMIM 114000.
Osteogenesis imperfecta (OI). Identifiers: Orphanet 666, MedGen C0029434, MeSH D010013, MONDO:0019019.

Allele frequency attached by ClinVar (database versions not stated): gnomAD exomes 0.00037; 1000 Genomes Project 30x 0.00078; 1000 Genomes Project 0.00080; gnomAD 0.00250 and 0.00264.

Submissions (4):

GeneDx
Classification: Likely benign. Last evaluated: 2021-10-09. Review status: criteria provided, single submitter. Criteria: GeneDx Variant Classification Process June 2021. Collection method: clinical testing. Allele origin: germline. Affected: yes.

Illumina Laboratory Services, Illumina
Classification: Likely benign for Infantile cortical hyperostosis. Last evaluated: 2018-01-12. Review status: criteria provided, single submitter. Criteria: ICSL Variant Classification Criteria 13 December 2019. Collection method: clinical testing. Allele origin: germline.
Comment: This variant was observed in the ICSL laboratory as part of a predisposition screen in an ostensibly healthy population. It had not been previously curated by ICSL or reported in the Human Gene Mutation Database (HGMD: prior to June 1st, 2018), and was therefore a candidate for classification through an automated scoring system. Utilizing variant allele frequency, disease prevalence and penetrance estimates, and inheritance mode, an automated score was calculated to assess if this variant is too frequent to cause the disease. Based on the score and internal cut-off values, a variant classified as likely benign is not then subjected to further curation. The score for this variant resulted in a classification of likely benign for this disease.

Illumina Laboratory Services, Illumina
Classification: Benign for Ehlers-Danlos syndrome, arthrochalasia type. Last evaluated: 2018-01-12. Review status: criteria provided, single submitter. Criteria: ICSL Variant Classification Criteria 13 December 2019. Collection method: clinical testing. Allele origin: germline.
Comment: This variant was observed in the ICSL laboratory as part of a predisposition screen in an ostensibly healthy population. It had not been previously curated by ICSL or reported in the Human Gene Mutation Database (HGMD: prior to June 1st, 2018), and was therefore a candidate for classification through an automated scoring system. Utilizing variant allele frequency, disease prevalence and penetrance estimates, and inheritance mode, an automated score was calculated to assess if this variant is too frequent to cause the disease. Based on the score and internal cut-off values, a variant classified as benign is not then subjected to further curation. The score for this variant resulted in a classification of benign for this disease.

Illumina Laboratory Services, Illumina
Classification: Benign for Osteogenesis imperfecta. Last evaluated: 2018-01-12. Review status: criteria provided, single submitter. Criteria: ICSL Variant Classification Criteria 13 December 2019. Collection method: clinical testing. Allele origin: germline.
Comment: the same text as in the submission from Illumina Laboratory Services, Illumina above.

NM_000088.4(COL1A1):c.*1088G>A

Gene: COL1A1 (collagen type I alpha 1 chain; minus strand). Cytogenetic location: 17q21.33.
Variant type: single nucleotide variant.
Coding change: c.*1088G>A on transcript NM_000088.4 (MANE Select); 1088 bases downstream of the stop codon, G replaced by A.
Molecular consequence: 3 prime UTR variant.
Genome position (GRCh38, 1-based): chr17:50,184,414, C>T on the plus strand (G>A on the coding strand, the complement: COL1A1 is on the minus strand). VCF-style: chr17-50184414-C-T. GRCh37 (hg19) VCF-style: chr17-48261775-C-T.
Identifiers: ClinVar variation 891321 (VCV000891321.5), dbSNP rs191326459, ClinGen allele CA291542615.
Genomic context (GRCh38, chr17:50,184,414, plus strand): 5'-CTGAGAAGCCAGAGGCAGGTGGAGAGAGGGTGGAAAGTGAGCAGCGGGCTGGGCTGGAGC[C>T]GCACACGCTCTCCTCCCATGTTAAATAGCACCTTTAGAAAAATTCACAAGTCCCCATCCA-3'